The following is an entry in ClinVar:

ClinVar aggregate classification (germline): Likely benign. Review status: criteria provided, single submitter (1 of 4 stars). 2 submissions from 2 submitters: Likely benign (1). 1 of the submissions does not count toward it. Last evaluated 2025-07-14.

Conditions:
Early-infantile DEE. Also called: Early infantile epileptic encephalopathy; Ohtahara syndrome; Early infantile epileptic encephalopathy with suppression bursts. Identifiers: Orphanet 1934, MedGen C0393706, MONDO:0800491.
ST3GAL3-related disorder. Also called: ST3GAL3-related condition; ST3GAL3-Related Disorders.

Allele frequency attached by ClinVar (database versions not stated): gnomAD exomes 0.00001 and 0.00002; ExAC 0.00002; TOPMed 0.00004; gnomAD 0.00005; ESP Exome Variant Server 0.00008; 1000 Genomes Project 0.00040; 1000 Genomes Project 30x 0.00047.
gnomAD v4.1: 18 of 1,613,948 alleles (0.0011%); highest among the groups gnomAD compares: African/African-American, 0.023%; no homozygotes.

Submissions (2):

Labcorp Genetics (formerly Invitae), Labcorp
Classification: Likely benign for Early-infantile DEE. Last evaluated: 2025-07-14. Review status: criteria provided, single submitter. Criteria: Invitae Variant Classification Sherloc (09022015). Collection method: clinical testing. Allele origin: germline.

PreventionGenetics, part of Exact Sciences
Classification: Likely benign for ST3GAL3-related condition. Last evaluated: 2024-01-23. Review status: no assertion criteria provided. Collection method: clinical testing. Allele origin: germline. Not counted in ClinVar's aggregate classification.
Comment: This variant is classified as likely benign based on ACMG/AMP sequence variant interpretation guidelines (Richards et al. 2015 PMID: 25741868, with internal and published modifications).

NM_006279.5(ST3GAL3):c.1039-10C>G

Gene: ST3GAL3 (ST3 beta-galactoside alpha-2,3-sialyltransferase 3; plus strand). Cytogenetic location: 1p34.1.
Variant type: single nucleotide variant.
Coding change: c.1039-10C>G on transcript NM_006279.5 (MANE Select); 10 bases into the intron before coding-DNA position 1039, C replaced by G.
Molecular consequence: intron variant.
Genome position (GRCh38, 1-based): chr1:43,930,122, C>G. VCF-style: chr1-43930122-C-G. GRCh37 (hg19) VCF-style: chr1-44395794-C-G.
Other names: c.1246-10C>G (NM_174963.3, NM_174963.5); c.1280-10C>G (NM_001350619.2); c.1084-10C>G (NM_174964.4); c.443-10C>G (NM_174965.4); c.*23-10C>G (NM_001270465.3); c.555-10C>G (NM_001270463.3); c.1201-10C>G (NM_174968.5); c.907-10C>G (NM_001363573.2); and 13 more.
Identifiers: ClinVar variation 1583131 (VCV001583131.11), dbSNP rs368686280, ClinGen allele CA814905.
Genomic context (GRCh38, chr1:43,930,122, plus strand): 5'-CACCGAGCCCTGGAAGGGGCAGTAAAGGTTTGAGCAAAGGCCCAACTGATCACTTCATCT[C>G]TCCTTTCAGTCCTGGACGCACAATATCCAGCGAGAGAAAGAGTTTCTGCGGAAGCTGGTG-3'